The following is an entry in ClinVar:

NM_001040142.2(SCN2A):c.2057G>C (p.Ser686Thr)

Gene: SCN2A (sodium voltage-gated channel alpha subunit 2; plus strand). Cytogenetic location: 2q24.3.
Variant type: single nucleotide variant.
Coding change: c.2057G>C on transcript NM_001040142.2 (MANE Select); coding-DNA position 2057, G replaced by C.
Protein change: p.Ser686Thr; replaces serine 686 with threonine.
Molecular consequence: missense variant.
Genome position (GRCh38, 1-based): chr2:165,326,892, G>C. VCF-style: chr2-165326892-G-C. GRCh37 (hg19) VCF-style: chr2-166183402-G-C.
Other names: c.2057G>C, p.Ser686Thr (NM_001040143.2, NM_001371246.1, NM_001371247.1 and 1 more transcripts); short protein forms S686T.
Identifiers: ClinVar variation 2507042 (VCV002507042.1), dbSNP rs796053190, ClinGen allele CA349029202.
Genomic context (GRCh38, chr2:165,326,892, plus strand): 5'-ATCTGAAATTCTACTTCTAGGGCACAACTACTGAAACAGAAATAAGAAAGAGACGGTCCA[G>C]TTCTTATCATGTTTCCATGGATTTATTGGAAGATCCTACATCAAGGCAAAGAGCAATGAG-3'
Protein context (NP_001035232.1, residues 676-696): TETEIRKRRS[Ser686Thr]SYHVSMDLLE

ClinVar aggregate classification (germline): Uncertain significance (1 of 4 stars; one submission).

Submission:

GeneDx
Classification: Uncertain significance. Last evaluated: 2023-01-03. Review status: criteria provided, single submitter. Criteria: GeneDx Variant Classification Process June 2021. Collection method: clinical testing. Allele origin: germline. Affected: yes.
Comment: Not observed at significant frequency in large population cohorts (gnomAD); Missense variants in this gene are often considered pathogenic (HGMD); In silico analysis supports that this missense variant does not alter protein structure/function; Has not been previously published as pathogenic or benign to our knowledge; This substitution is predicted to be in the cytoplasmic loop between the first and second homologous domains